The following is an entry in ClinVar:

NM_005359.6(SMAD4):c.888C>T (p.Pro296=)

Gene: SMAD4 (SMAD family member 4; plus strand). Cytogenetic location: 18q21.2.
Variant type: single nucleotide variant.
Coding change: c.888C>T on transcript NM_005359.6 (MANE Select); coding-DNA position 888, C replaced by T.
Protein change: p.Pro296=; no amino-acid change (proline 296 retained).
Molecular consequence: synonymous variant.
Genome position (GRCh38, 1-based): chr18:51,058,440, C>T. VCF-style: chr18-51058440-C-T. GRCh37 (hg19) VCF-style: chr18-48584810-C-T.
Identifiers: ClinVar variation 1609028 (VCV001609028.9), dbSNP rs1060504026, ClinGen allele CA503994101.

ClinVar aggregate classification (germline): Benign/Likely benign. Review status: criteria provided, multiple submitters, no conflicts (2 of 4 stars). 2 submissions from 2 submitters: Benign (1); Likely benign (1). Last evaluated 2025-03-20.

Conditions:
Juvenile polyposis syndrome (JPS). Identifiers: Orphanet 2929, MedGen C0345893, MONDO:0017380, OMIM 174900.
Juvenile polyposis/hereditary hemorrhagic telangiectasia syndrome (JPHT). Also called: Juvenile Polyposis Syndrome / Hereditary Hemorrhagic Telangiectasia (JPS/HHT); JP/HHT SYNDROME; JUVENILE POLYPOSIS WITH HEREDITARY HEMORRHAGIC TELANGIECTASIA; POLYPOSIS, GENERALIZED JUVENILE, WITH PULMONARY ARTERIOVENOUS MALFORMATION; TELANGIECTASIA, HEREDITARY HEMORRHAGIC, WITH JUVENILE POLYPOSIS COLI. Identifiers: Orphanet 2929, MedGen C1832942, MONDO:0008278, OMIM 175050.

gnomAD v4.1: 1 of 1,613,248 alleles (0.000062%); highest among the groups gnomAD compares: South Asian, 0.0011%; no homozygotes.

Submissions (2):

Myriad Genetics, Inc.
Classification: Benign for Juvenile polyposis/hereditary hemorrhagic telangiectasia syndrome. Last evaluated: 2025-03-20. Review status: criteria provided, single submitter. Criteria: Myriad Autosomal Dominant, Autosomal Recessive and X-Linked Classification Criteria (2023). Collection method: clinical testing. Allele origin: unknown.
Comment: This variant is considered benign. This variant is a silent/synonymous amino acid change and it is not expected to impact splicing.

Labcorp Genetics (formerly Invitae), Labcorp
Classification: Likely benign for Juvenile polyposis syndrome. Last evaluated: 2022-12-26. Review status: criteria provided, single submitter. Criteria: Invitae Variant Classification Sherloc (09022015). Collection method: clinical testing. Allele origin: germline.